The following is an entry in ClinVar:

ClinVar aggregate classification (germline): Uncertain significance. Review status: criteria provided, multiple submitters, no conflicts (2 of 4 stars). 2 submissions from 2 submitters: Uncertain significance (2). Last evaluated 2025-05-11.

Conditions:
Inborn genetic diseases. Identifiers: MedGen C0950123, MeSH D030342.

Allele frequency attached by ClinVar (database versions not stated): ExAC 0.00002.
gnomAD v4.1: 107 of 1,613,796 alleles (0.0066%); highest among the groups gnomAD compares: Non-Finnish European, 0.0085%; no homozygotes.

Submissions (2):

Labcorp Genetics (formerly Invitae), Labcorp
Classification: Uncertain significance. Last evaluated: 2025-05-11. Review status: criteria provided, single submitter. Criteria: Invitae Variant Classification Sherloc (09022015). Collection method: clinical testing. Allele origin: germline.
Comment: This sequence change replaces proline, which is neutral and non-polar, with alanine, which is neutral and non-polar, at codon 20 of the INTU protein (p.Pro20Ala). This variant is present in population databases (rs747779931, gnomAD 0.008%). This variant has not been reported in the literature in individuals affected with INTU-related conditions. ClinVar contains an entry for this variant (Variation ID: 2883944). An algorithm developed to predict the effect of missense changes on protein structure and function (PolyPhen-2) suggests that this variant is likely to be tolerated. In summary, the available evidence is currently insufficient to determine the role of this variant in disease. Therefore, it has been classified as a Variant of Uncertain Significance.

Ambry Genetics
Classification: Uncertain significance for Inborn genetic diseases. Last evaluated: 2024-09-26. Review status: criteria provided, single submitter. Criteria: Ambry Variant Classification Scheme 2023. Collection method: clinical testing. Allele origin: germline.

NM_015693.4(INTU):c.58C>G (p.Pro20Ala)

Gene: INTU (inturned planar cell polarity protein; plus strand). Cytogenetic location: 4q28.1.
Variant type: single nucleotide variant.
Coding change: c.58C>G on transcript NM_015693.4 (MANE Select); coding-DNA position 58, C replaced by G.
Protein change: p.Pro20Ala; replaces proline 20 with alanine.
Molecular consequence: missense variant.
Genome position (GRCh38, 1-based): chr4:127,633,092, C>G. VCF-style: chr4-127633092-C-G. GRCh37 (hg19) VCF-style: chr4-128554247-C-G.
Other names: c.58C>G (NM_015693.3); short protein forms P20A.
Identifiers: ClinVar variation 2883944 (VCV002883944.4), dbSNP rs747779931, ClinGen allele CA3074696.